The following is an entry in ClinVar:

NM_000019.4(ACAT1):c.961_967dup (p.Ile323fs)

Gene: ACAT1 (acetyl-CoA acetyltransferase 1; plus strand). Cytogenetic location: 11q22.3.
Variant type: Duplication.
Coding change: c.961_967dup on transcript NM_000019.4 (MANE Select); coding-DNA positions 961 to 967, 7 bases duplicated (GAACCTA; older notation c.961_967dupGAACCTA).
Protein change: p.Ile323fs; shifts the reading frame from isoleucine 323.
Molecular consequence: frameshift variant. On other transcripts: non-coding transcript variant (1).
Genome position (GRCh38, 1-based): chr11:108,144,003-108,144,009, GAACCTA duplicated; duplicating any 7 consecutive bases within chr11:108,144,001-108,144,009 gives the same sequence; the c. name uses the placement nearest the transcript's 3' end. VCF-style (leftmost placement, unchanged base first): chr11-108144000-G-GTAGAACC. GRCh37 (hg19) VCF-style: chr11-108014727-G-GTAGAACC.
Other names: c.961_967dup, p.Ile323fs (NM_001386677.1); c.646_652dup, p.Ile218fs (NM_001386678.1); c.664_670dup, p.Ile224fs (NM_001386679.1); c.691_697dup, p.Ile233fs (NM_001386681.1, NM_001386682.1, NM_001386685.1 and 6 more transcripts); short protein forms I218fs, I224fs, I233fs, I323fs.
Identifiers: ClinVar variation 5015103 (VCV005015103.1).

ClinVar aggregate classification (germline): Pathogenic (1 of 4 stars; one submission).

Conditions:
Deficiency of acetyl-CoA acetyltransferase. Also called: 3-KETOTHIOLASE DEFICIENCY; 3-OXOTHIOLASE DEFICIENCY; MITOCHONDRIAL ACETOACETYL-CoA THIOLASE DEFICIENCY; Beta-ketothiolase deficiency. Identifiers: Orphanet 134, MedGen C1536500, MONDO:0008760, OMIM 203750. Disease mechanism: loss of function.

Submission:

Myriad Genetics, Inc.
Classification: Pathogenic for Deficiency of acetyl-CoA acetyltransferase. Last evaluated: 2025-10-18. Review status: criteria provided, single submitter. Criteria: Myriad Autosomal Dominant, Autosomal Recessive and X-Linked Classification Criteria (2023). Collection method: clinical testing. Allele origin: unknown.
Comment: NM_000019.3(ACAT1):c.961_967dup7(I323Rfs*4) is expected to be pathogenic in the context of beta-ketothiolase deficiency. This variant is predicted to lead to an abnormal or absent protein product due to the creation of a premature termination codon in ACAT1, a gene where loss-of-function variants are known to be pathogenic. Please note: this variant was assessed in the context of healthy population screening.